The following is an entry in ClinVar:

NM_024596.5(MCPH1):c.435A>G (p.Leu145=)

Gene: MCPH1 (microcephalin 1; plus strand). Cytogenetic location: 8p23.1.
Variant type: single nucleotide variant.
Coding change: c.435A>G on transcript NM_024596.5 (MANE Select); coding-DNA position 435, A replaced by G.
Protein change: p.Leu145=; no amino-acid change (leucine 145 retained).
Molecular consequence: synonymous variant.
Genome position (GRCh38, 1-based): chr8:6,436,161, A>G. VCF-style: chr8-6436161-A-G. GRCh37 (hg19) VCF-style: chr8-6293682-A-G.
Other names: c.435A>G, p.Leu145= (NM_001172574.2, NM_001172575.2, NM_001322042.2 and 4 more transcripts); c.429A>G, p.Leu143= (NM_001322043.2); c.333A>G, p.Leu111= (NM_001322045.2).
Identifiers: ClinVar variation 4874388 (VCV004874388.2).
Genomic context (GRCh38, chr8:6,436,161, plus strand): 5'-GAGATTTCAGAAGAAATTTGAGAAAATGGCTAAAGAGCTACAAAGGCAAAAAACAAATCT[A>G]GGTAAGCTAAGAAATATAATACAGTTCTTTGCATTTGTGTCCATACACCTTGTTTAATTT-3'
Protein context (NP_078872.3, residues 135-155): AKELQRQKTN[Leu145=]DDDVPILLFE

ClinVar aggregate classification (germline): Likely benign (1 of 4 stars; one submission).

gnomAD v4.1: 8 of 1,612,636 alleles (0.0005%); highest among the groups gnomAD compares: African/African-American, 0.0013%; no homozygotes.

Submission:

CeGaT Center for Human Genetics Tuebingen
Classification: Likely benign. Last evaluated: 2026-04-01. Review status: criteria provided, single submitter. Criteria: CeGaT Center For Human Genetics Tuebingen Variant Classification Criteria Version 2. Collection method: clinical testing. Allele origin: germline. Affected: yes. Observed: 1 variant allele.
Comment: MCPH1: BP4, BP7